The following is an entry in ClinVar:

NM_001694.4(ATP6V0C):c.158T>A (p.Met53Lys)

Gene: ATP6V0C (ATPase H+ transporting V0 subunit c; plus strand). Cytogenetic location: 16p13.3.
Variant type: single nucleotide variant.
Coding change: c.158T>A on transcript NM_001694.4 (MANE Select); coding-DNA position 158, T replaced by A.
Protein change: p.Met53Lys; replaces methionine 53 with lysine.
Molecular consequence: missense variant.
Genome position (GRCh38, 1-based): chr16:2,519,296, T>A. VCF-style: chr16-2519296-T-A. GRCh37 (hg19) VCF-style: chr16-2569297-T-A.
Other names: c.158T>A, p.Met53Lys (NM_001198569.2); short protein forms M53K.
Identifiers: ClinVar variation 4281537 (VCV004281537.7).
Genomic context (GRCh38, chr16:2,519,296, plus strand): 5'-GCACAGCCAAGAGCGGTACCGGCATTGCGGCCATGTCTGTCATGCGGCCGGAGCAGATCA[T>A]GAAGTCCATCATCCCAGTGGTCATGGCTGGCATCATCGCCATCTACGGCCTGGTGGTGGC-3'
Protein context (NP_001685.1, residues 43-63): AMSVMRPEQI[Met53Lys]KSIIPVVMAG

ClinVar aggregate classification (germline): Uncertain significance (1 of 4 stars; one submission).

Submission:

CeGaT Center for Human Genetics Tuebingen
Classification: Uncertain significance. Last evaluated: 2025-09-01. Review status: criteria provided, single submitter. Criteria: CeGaT Center For Human Genetics Tuebingen Variant Classification Criteria Version 2. Collection method: clinical testing. Allele origin: germline. Affected: yes. Observed: 1 variant allele.
Comment: ATP6V0C: PM2, PM5:Supporting, PP2